The following is an entry in ClinVar:

NM_000166.6(GJB1):c.671G>A (p.Arg224His)

Gene: GJB1 (gap junction protein beta 1; plus strand). Cytogenetic location: Xq13.1.
Variant type: single nucleotide variant.
Coding change: c.671G>A on transcript NM_000166.6 (MANE Select); coding-DNA position 671, G replaced by A.
Protein change: p.Arg224His; replaces arginine 224 with histidine.
Molecular consequence: missense variant.
Genome position (GRCh38, 1-based): chrX:71,224,378, G>A. VCF-style: chrX-71224378-G-A. GRCh37 (hg19) VCF-style: chrX-70444228-G-A.
Other names: c.671G>A, p.Arg224His (NM_001097642.3); short protein forms R224H.
Identifiers: ClinVar variation 696007 (VCV000696007.17), dbSNP rs201697702, ClinGen allele CA10445329.

ClinVar aggregate classification (germline): Benign/Likely benign. Review status: criteria provided, multiple submitters, no conflicts (2 of 4 stars). 6 submissions from 6 submitters: Benign (2); Likely benign (3). 1 of the submissions does not count toward it. Last evaluated 2026-02-02.

Conditions:
Inborn genetic diseases. Identifiers: MedGen C0950123, MeSH D030342.
Charcot-Marie-Tooth disease X-linked dominant 1. Also called: Charcot-Marie-Tooth Neuropathy X Type 1; HEREDITARY MOTOR AND SENSORY NEUROPATHY, X-LINKED; HMSN, X-LINKED; X-linked Charcot-Marie-Tooth disease type 1; GJB1 Disorders: Charcot-Marie-Tooth Neuropathy (CMT1X) and Central Nervous System Phenotypes; CHARCOT-MARIE-TOOTH NEUROPATHY, X-LINKED, 1. Identifiers: Orphanet 101075, MedGen C0393808, MONDO:0010549, OMIM 302800.
Charcot-Marie-Tooth Neuropathy X. Identifiers: MedGen CN118851.
GJB1-related disorder. Also called: GJB1-related disorders; GJB1-related condition.

Allele frequency attached by ClinVar (database versions not stated): gnomAD 0.00006; ESP Exome Variant Server 0.00009; TOPMed 0.00010; ExAC 0.00030; gnomAD exomes 0.00032.
gnomAD v4.1: 189 of 1,207,876 alleles (0.016%); highest among the groups gnomAD compares: Admixed American, 0.12%; no homozygotes.

Submissions (6):

Labcorp Genetics (formerly Invitae), Labcorp
Classification: Benign for Charcot-Marie-Tooth Neuropathy X. Last evaluated: 2026-02-02. Review status: criteria provided, single submitter. Criteria: Invitae Variant Classification Sherloc (09022015). Collection method: clinical testing. Allele origin: germline.

Fulgent Genetics
Classification: Likely benign for Charcot-Marie-Tooth disease X-linked dominant 1. Last evaluated: 2021-11-22. Review status: criteria provided, single submitter. Criteria: ACMG Guidelines, 2015. Collection method: clinical testing. Allele origin: unknown.

Ambry Genetics
Classification: Likely benign for Inborn genetic diseases. Last evaluated: 2020-02-24. Review status: criteria provided, single submitter. Criteria: Ambry Variant Classification Scheme 2023. Collection method: clinical testing. Allele origin: germline.

GeneDx
Classification: Likely benign. Last evaluated: 2019-07-26. Review status: criteria provided, single submitter. Criteria: GeneDx Variant Classification Process June 2021. Collection method: clinical testing. Allele origin: germline. Affected: yes.
Comment: See Variant Classification Assertion Criteria.

Athena Diagnostics
Classification: Benign. Last evaluated: 2019-02-26. Review status: criteria provided, single submitter. Criteria: Athena Diagnostics Criteria. Collection method: clinical testing. Allele origin: germline.

PreventionGenetics, part of Exact Sciences
Classification: Likely benign for GJB1-related condition. Last evaluated: 2024-08-07. Review status: no assertion criteria provided. Collection method: clinical testing. Allele origin: germline. Not counted in ClinVar's aggregate classification.
Comment: This variant is classified as likely benign based on ACMG/AMP sequence variant interpretation guidelines (Richards et al. 2015 PMID: 25741868, with internal and published modifications).